The following is an entry in ClinVar:

NM_015690.5(STK36):c.2625A>C (p.Ser875=)

Gene: STK36 (serine/threonine kinase 36; plus strand). Cytogenetic location: 2q35.
Variant type: single nucleotide variant.
Coding change: c.2625A>C on transcript NM_015690.5 (MANE Select); coding-DNA position 2625, A replaced by C.
Protein change: p.Ser875=; no amino-acid change (serine 875 retained).
Molecular consequence: synonymous variant.
Genome position (GRCh38, 1-based): chr2:218,697,077, A>C. VCF-style: chr2-218697077-A-C. GRCh37 (hg19) VCF-style: chr2-219561800-A-C.
Other names: c.2562A>C, p.Ser854= (NM_001243313.2); c.2625A>C, p.Ser875= (NM_001369423.1).
Identifiers: ClinVar variation 2651898 (VCV002651898.24), dbSNP rs756082874, ClinGen allele CA2111219.

ClinVar aggregate classification (germline): Likely benign (1 of 4 stars; one submission).

Allele frequency attached by ClinVar (database versions not stated): gnomAD exomes below 0.00001; ExAC 0.00001; TOPMed 0.00001.
gnomAD v4.1: 8 of 1,614,154 alleles (0.0005%); no homozygotes.

Submission:

CeGaT Center for Human Genetics Tuebingen
Classification: Likely benign. Last evaluated: 2023-03-01. Review status: criteria provided, single submitter. Criteria: CeGaT Center For Human Genetics Tuebingen Variant Classification Criteria Version 2. Collection method: clinical testing. Allele origin: germline. Affected: yes. Observed: 1 variant allele.
Comment: STK36: BP4, BP7